The following is an entry in ClinVar:

NM_032638.5(GATA2):c.628G>A (p.Gly210Ser)

Gene: GATA2 (GATA binding protein 2; minus strand). Cytogenetic location: 3q21.3.
Variant type: single nucleotide variant.
Coding change: c.628G>A on transcript NM_032638.5 (MANE Select); coding-DNA position 628, G replaced by A.
Protein change: p.Gly210Ser; replaces glycine 210 with serine.
Molecular consequence: missense variant.
Genome position (GRCh38, 1-based): chr3:128,485,970, C>T on the plus strand (G>A on the coding strand, the complement: GATA2 is on the minus strand). VCF-style: chr3-128485970-C-T. GRCh37 (hg19) VCF-style: chr3-128204813-C-T.
Other names: c.628G>A, p.Gly210Ser (NM_001145661.2, NM_001145662.1); short protein forms G210S.
Identifiers: ClinVar variation 404087 (VCV000404087.11), dbSNP rs765555593, ClinGen allele CA2599986.

ClinVar aggregate classification (germline): Conflicting classifications of pathogenicity. Review status: criteria provided, conflicting classifications (1 of 4 stars). 2 submissions from 2 submitters: Uncertain significance (1); Likely benign (1). Last evaluated 2026-03-26.

Conditions:
Monocytopenia with susceptibility to infections. Also called: MONOCYTOPENIA AND MYCOBACTERIAL INFECTION SYNDROME; MONOCYTOPENIA WITH SUSCEPTIBILITY TO MYCOBACTERIAL, FUNGAL, AND PAPILLOMAVIRUS INFECTIONS AND MYELODYSPLASIA; COMBINED IMMUNODEFICIENCY WITH SUSCEPTIBILITY TO MYCOBACTERIAL, VIRAL, AND FUNGAL INFECTIONS; Dendritic cell, monocyte, B lymphocyte, and natural killer lymphocyte deficiency; IMMUNODEFICIENCY 21; GATA2 DEFICIENCY. Identifiers: Orphanet 228423, MedGen C3280030, MONDO:0013607, OMIM 614172.
Deafness-lymphedema-leukemia syndrome. Also called: Emberger syndrome; Lymphedema, primary, with myelodysplasia. Identifiers: Orphanet 3226, MedGen C3279664, MONDO:0013540, OMIM 614038.
Inborn genetic diseases. Identifiers: MedGen C0950123, MeSH D030342.

Allele frequency attached by ClinVar (database versions not stated): gnomAD exomes below 0.00001; gnomAD 0.00003; ExAC 0.00001.
gnomAD v4.1: 6 of 1,614,084 alleles (0.00037%); highest among the groups gnomAD compares: African/African-American, 0.0027%; no homozygotes.

Submissions (2):

Ambry Genetics
Classification: Uncertain significance for Inborn genetic diseases. Last evaluated: 2026-03-26. Review status: criteria provided, single submitter. Criteria: Ambry Variant Classification Scheme 2023. Collection method: clinical testing. Allele origin: germline.
Comment: The p.G210S variant (also known as c.628G>A), located in coding exon 2 of the GATA2 gene, results from a G to A substitution at nucleotide position 628. The glycine at codon 210 is replaced by serine, an amino acid with similar properties. This amino acid position is not well conserved in available vertebrate species. In addition, this alteration is predicted to be tolerated by in silico analysis. Based on the available evidence, the clinical significance of this variant remains unclear.

Labcorp Genetics (formerly Invitae), Labcorp
Classification: Likely benign for Monocytopenia with susceptibility to infections; Deafness-lymphedema-leukemia syndrome. Last evaluated: 2023-08-07. Review status: criteria provided, single submitter. Criteria: Invitae Variant Classification Sherloc (09022015). Collection method: clinical testing. Allele origin: germline.